The following is an entry in ClinVar:

NM_000543.5(SMPD1):c.572_573insACTGTCTCTTA (p.Ser192fs)

Gene: SMPD1 (sphingomyelin phosphodiesterase 1; plus strand). Cytogenetic location: 11p15.4.
Variant type: Insertion.
Coding change: c.572_573insACTGTCTCTTA on transcript NM_000543.5 (MANE Select); coding-DNA positions 572 to 573, ACTGTCTCTTA inserted.
Protein change: p.Ser192fs; shifts the reading frame from serine 192.
Molecular consequence: frameshift variant. On other transcripts: 5 prime UTR variant (1), non-coding transcript variant (1).
Genome position: GRCh38 VCF-style: chr11-6391637-C-CACTGTCTCTTA. GRCh37 (hg19) VCF-style: chr11-6412867-C-CACTGTCTCTTA.
Other names: c.569_570insACTGTCTCTTA, p.Ser191fs (NM_001007593.3); c.572_573insACTGTCTCTTA, p.Ser192fs (NM_001318087.2, NM_001365135.2); c.-390_-389insACTGTCTCTTA (NM_001318088.2); short protein forms S191fs, S192fs.
Identifiers: ClinVar variation 5011309 (VCV005011309.1).

ClinVar aggregate classification (germline): Pathogenic (1 of 4 stars; one submission).

Conditions:
Acid sphingomyelinase deficiency. Identifiers: Orphanet 618899, MedGen C5243927, MONDO:0100464.

Submission:

Myriad Genetics, Inc.
Classification: Pathogenic for Acid sphingomyelinase deficiency. Last evaluated: 2023-08-10. Review status: criteria provided, single submitter. Criteria: Myriad Autosomal Dominant, Autosomal Recessive and X-Linked Classification Criteria (2023). Collection method: clinical testing. Allele origin: unknown.
Comment: NM_000543.4(SMPD1):c.572_573ins11(S192Lfs*69) is expected to be pathogenic in the context of Niemann-Pick disease, SMPD1-related. This variant is predicted to lead to an abnormal or absent protein product due to the creation of a premature termination codon in SMPD1, a gene where loss-of-function variants are known to be pathogenic. Please note: this variant was assessed in the context of healthy population screening.